The following is an entry in ClinVar:

ClinVar aggregate classification (germline): Uncertain significance. Review status: criteria provided, multiple submitters, no conflicts (2 of 4 stars). 3 submissions from 3 submitters: Uncertain significance (2). 1 of the submissions does not count toward it. Last evaluated 2025-07-21.

Conditions:
Familial adenomatous polyposis 1 (FAP1). Also called: FAMILIAL ADENOMATOUS POLYPOSIS 1, ATTENUATED; POLYPOSIS, ADENOMATOUS INTESTINAL. Identifiers: MedGen C2713442, MONDO:0021056, OMIM 175100. Disease mechanism: loss of function.
Malignant tumor of ascending colon. Also called: Ascending colon cancer. Identifiers: MedGen C0153439, MONDO:0002238.
Hereditary cancer-predisposing syndrome. Also called: Tumor predisposition; Hereditary Cancer Syndrome; Hereditary neoplastic syndrome; Neoplastic Syndromes, Hereditary. Identifiers: Orphanet 140162, MedGen C0027672, MeSH D009386, MONDO:0015356.

Submissions (3):

Labcorp Genetics (formerly Invitae), Labcorp
Classification: Uncertain significance for Familial adenomatous polyposis 1. Last evaluated: 2025-07-21. Review status: criteria provided, single submitter. Criteria: Invitae Variant Classification Sherloc (09022015). Collection method: clinical testing. Allele origin: germline.
Comment: This sequence change replaces serine, which is neutral and polar, with glycine, which is neutral and non-polar, at codon 2185 of the APC protein (p.Ser2185Gly). This variant is not present in population databases (gnomAD no frequency). This missense change has been observed in individual(s) with gallbladder and pancreatic cancer (PMID: 30093976). ClinVar contains an entry for this variant (Variation ID: 411410). Invitae Evidence Modeling of protein sequence and biophysical properties (such as structural, functional, and spatial information, amino acid conservation, physicochemical variation, residue mobility, and thermodynamic stability) indicates that this missense variant is not expected to disrupt APC protein function with a negative predictive value of 95%. In summary, the available evidence is currently insufficient to determine the role of this variant in disease. Therefore, it has been classified as a Variant of Uncertain Significance.

Ambry Genetics
Classification: Uncertain significance for Hereditary cancer-predisposing syndrome. Last evaluated: 2019-12-03. Review status: criteria provided, single submitter. Criteria: Ambry Variant Classification Scheme 2023. Collection method: clinical testing. Allele origin: germline.
Comment: The p.S2185G variant (also known as c.6553A>G), located in coding exon 15 of the APC gene, results from an A to G substitution at nucleotide position 6553. The serine at codon 2185 is replaced by glycine, an amino acid with similar properties. This amino acid position is poorly conserved in available vertebrate species. This alteration was reported in a cohort of Asian patients with multiple primary cancer diagnoses undergoing multigene panel testing for hereditary cancer susceptibility (Chan GHJ et al. Oncotarget. 2018 Jul;9:30649-30660). In addition, in silico predictors for this gene do not accurately predict pathogenicity. Since supporting evidence is limited at this time, the clinical significance of this alteration remains unclear.

3DMed Clinical Laboratory Inc
Classification: Uncertain significance for Malignant tumor of ascending colon. Last evaluated: 2017-12-14. Review status: no assertion criteria provided. Criteria: ACMG Guidelines, 2015. Collection method: clinical testing. Allele origin: germline. Affected: yes. Not counted in ClinVar's aggregate classification.

Literature cited by the submitters: PubMed 30093976 (cited by Labcorp Genetics (formerly Invitae), Labcorp and Ambry Genetics).

NM_000038.6(APC):c.6553A>G (p.Ser2185Gly)

Gene: APC (APC regulator of Wnt signaling pathway; plus strand). Cytogenetic location: 5q22.2.
Variant type: single nucleotide variant.
Coding change: c.6553A>G on transcript NM_000038.6 (MANE Select); coding-DNA position 6553, A replaced by G.
Protein change: p.Ser2185Gly; replaces serine 2185 with glycine.
Molecular consequence: missense variant.
Genome position (GRCh38, 1-based): chr5:112,842,147, A>G. VCF-style: chr5-112842147-A-G. GRCh37 (hg19) VCF-style: chr5-112177844-A-G.
Other names: c.6553A>G, p.Ser2185Gly (NM_001127510.3, NM_001354895.2); c.6499A>G, p.Ser2167Gly (NM_001127511.3); c.6607A>G, p.Ser2203Gly (NM_001354896.2); c.6583A>G, p.Ser2195Gly (NM_001354897.2); c.6478A>G, p.Ser2160Gly (NM_001354898.2); c.6469A>G, p.Ser2157Gly (NM_001354899.2); c.6430A>G, p.Ser2144Gly (NM_001354900.2); c.6376A>G, p.Ser2126Gly (NM_001354901.2); and 5 more; short protein forms S2167G, S2185G, S2157G, S2203G, S1902G, S2094G, S2195G, S2059G.
Identifiers: ClinVar variation 411410 (VCV000411410.12), dbSNP rs1060503292, ClinGen allele CA16035669.
Genomic context (GRCh38, chr5:112,842,147, plus strand): 5'-CCACGAATTCTAAAACCAGGGGAGAAAAGTACATTGGAAACTAAAAAGATAGAATCTGAA[A>G]GTAAAGGAATCAAAGGAGGAAAAAAAGTTTATAAAAGTTTGATTACTGGAAAAGTTCGAT-3'
Protein context (NP_000029.2, residues 2175-2195): TLETKKIESE[Ser2185Gly]KGIKGGKKVY